The following is an entry in ClinVar:

ClinVar aggregate classification (germline): Uncertain significance (1 of 4 stars; one submission).

Submission:

Labcorp Genetics (formerly Invitae), Labcorp
Classification: Uncertain significance. Last evaluated: 2021-10-18. Review status: criteria provided, single submitter. Criteria: Invitae Variant Classification Sherloc (09022015). Collection method: clinical testing. Allele origin: germline.
Comment: In summary, the available evidence is currently insufficient to determine the role of this variant in disease. Therefore, it has been classified as a Variant of Uncertain Significance. This variant has not been reported in the literature in individuals affected with SBF1-related conditions. This variant results in a copy number gain of the genomic region encompassing exon(s) 22-41 of the SBF1 gene. This region includes the termination codon of the gene. This copy number gain extends beyond the assayed region for this gene and therefore may encompass additional genes. As the precise location of this event is unknown, it may be in tandem or it may be located elsewhere in the genome.

NC_000022.10:g.(?_50885571)_(50900167_?)dup

Gene: SBF1 (SET binding factor 1; minus strand). Cytogenetic location: 22q13.33.
Variant type: Duplication.
Identifiers: ClinVar variation 2424577 (VCV002424577.4).